The following is an entry in ClinVar:

NM_001303256.3(MORC2):c.1900A>G (p.Thr634Ala)

Gene: MORC2 (MORC family CW-type zinc finger 2; minus strand). Cytogenetic location: 22q12.2.
Variant type: single nucleotide variant.
Coding change: c.1900A>G on transcript NM_001303256.3 (MANE Select); coding-DNA position 1900, A replaced by G.
Protein change: p.Thr634Ala; replaces threonine 634 with alanine.
Molecular consequence: missense variant.
Genome position (GRCh38, 1-based): chr22:30,935,074, T>C on the plus strand (A>G on the coding strand, the complement: MORC2 is on the minus strand). VCF-style: chr22-30935074-T-C. GRCh37 (hg19) VCF-style: chr22-31331061-T-C.
Other names: c.1900A>G, p.Thr634Ala (NM_001303257.2); c.1714A>G, p.Thr572Ala (NM_014941.3); short protein forms T572A, T634A.
Identifiers: ClinVar variation 2637031 (VCV002637031.2), dbSNP rs1602481937, ClinGen allele CA411235464.

ClinVar aggregate classification (germline): Uncertain significance (0 of 4 stars; one submission).

Conditions:
MORC2-related disorder. Also called: MORC2-related condition.

Allele frequency attached by ClinVar (database versions not stated): gnomAD exomes below 0.00001.
gnomAD v4.1: 3 of 1,612,354 alleles (0.00019%); highest among the groups gnomAD compares: Non-Finnish European, 0.00025%; no homozygotes.

Submission:

PreventionGenetics, part of Exact Sciences
Classification: Uncertain significance for MORC2-related condition. Last evaluated: 2024-08-09. Review status: no assertion criteria provided. Collection method: clinical testing. Allele origin: germline.
Comment: The MORC2 c.1900A>G variant is predicted to result in the amino acid substitution p.Thr634Ala. To our knowledge, this variant has not been reported in the literature or in a large population database, indicating this variant is rare. At this time, the clinical significance of this variant is uncertain due to the absence of conclusive functional and genetic evidence.